The following is an entry in ClinVar:

NM_000520.6(HEXA):c.1073+4A>G

Gene: HEXA (hexosaminidase subunit alpha; minus strand). Cytogenetic location: 15q23.
Variant type: single nucleotide variant.
Coding change: c.1073+4A>G on transcript NM_000520.6 (MANE Select); 4 bases into the intron after coding-DNA position 1073, A replaced by G.
Molecular consequence: intron variant.
Genome position (GRCh38, 1-based): chr15:72,348,044, T>C on the plus strand (A>G on the coding strand, the complement: HEXA is on the minus strand). VCF-style: chr15-72348044-T-C. GRCh37 (hg19) VCF-style: chr15-72640385-T-C.
Other names: c.1073+4A>G (NM_000520.5); c.1106+4A>G (NM_001318825.2).
Identifiers: ClinVar variation 1406911 (VCV001406911.8), dbSNP rs780502991, ClinGen allele CA7644828.

ClinVar aggregate classification (germline): Conflicting classifications of pathogenicity. Review status: criteria provided, conflicting classifications (1 of 4 stars). 3 submissions from 3 submitters: Likely pathogenic (2); Uncertain significance (1). Last evaluated 2025-08-30.

Conditions:
Tay-Sachs disease (TSD). Also called: HEXA DEFICIENCY; GM2 gangliosidosis, type 1; Hexosaminidase alpha-subunit deficiency (variant B); Sphingolipidosis, Tay-Sachs; Hexosaminidase A Deficiency; HEXA Disorders. Identifiers: Orphanet 845, MedGen C0039373, MONDO:0010100, OMIM 272800.
HEXA-related disorder. Also called: HEXA-related condition.

Allele frequency attached by ClinVar (database versions not stated): gnomAD exomes below 0.00001 and 0.00001; ExAC 0.00002; gnomAD 0.00003; TOPMed 0.00004.
gnomAD v4.1: 7 of 1,581,710 alleles (0.00044%); highest among the groups gnomAD compares: African/African-American, 0.0067%; no homozygotes.

Submissions (3):

Labcorp Genetics (formerly Invitae), Labcorp
Classification: Likely pathogenic for Tay-Sachs disease. Last evaluated: 2025-08-30. Review status: criteria provided, single submitter. Criteria: Invitae Variant Classification Sherloc (09022015). Collection method: clinical testing. Allele origin: germline.
Comment: This sequence change falls in intron 9 of the HEXA gene. It does not directly change the encoded amino acid sequence of the HEXA protein. It affects a nucleotide within the consensus splice site. This variant is present in population databases (rs780502991, gnomAD 0.02%). This variant has been observed in individual(s) with clinical features of Tay-Sachs disease (internal data). In at least one individual the data is consistent with being in trans (on the opposite chromosome) from a pathogenic variant. ClinVar contains an entry for this variant (Variation ID: 1406911). Variants that disrupt the consensus splice site are a relatively common cause of aberrant splicing (PMID: 17576681, 9536098). Algorithms developed to predict the effect of sequence changes on RNA splicing suggest that this variant may disrupt the consensus splice site. In summary, the currently available evidence indicates that the variant is pathogenic, but additional data are needed to prove that conclusively. Therefore, this variant has been classified as Likely Pathogenic.

PreventionGenetics, part of Exact Sciences
Classification: Likely pathogenic for HEXA-related condition. Last evaluated: 2025-07-07. Review status: criteria provided, single submitter. Criteria: ACMG Guidelines, 2015. Collection method: clinical testing. Allele origin: germline.
Comment: The HEXA c.1073+4A>G variant is predicted to interfere with splicing. To our knowledge, this variant has not been reported in the literature. This variant is reported in 0.019% of alleles in individuals of African descent in gnomAD. This variant is interpreted as likely pathogenic.

Women's Health and Genetics/Laboratory Corporation of America, LabCorp
Classification: Uncertain significance. Last evaluated: 2025-07-03. Review status: criteria provided, single submitter. Criteria: LabCorp Variant Classification Summary - May 2015. Collection method: clinical testing. Allele origin: germline.

Literature cited by the submitters: PubMed 17576681 (cited by Labcorp Genetics (formerly Invitae), Labcorp); PubMed 9536098 (cited by Labcorp Genetics (formerly Invitae), Labcorp).